The following is an entry in ClinVar:

ClinVar aggregate classification (germline): Pathogenic (1 of 4 stars; one submission).

Conditions:
Supravalvar aortic stenosis (SVAS). Also called: Supravalvar aortic stenosis, Eisenberg type. Identifiers: Orphanet 3193, MedGen C0003499, MONDO:0008504, OMIM 185500, HP:0004381.

Submission:

Labcorp Genetics (formerly Invitae), Labcorp
Classification: Pathogenic for Supravalvar aortic stenosis. Last evaluated: 2020-12-13. Review status: criteria provided, single submitter. Criteria: Invitae Variant Classification Sherloc (09022015). Collection method: clinical testing. Allele origin: germline.
Comment: This sequence change creates a premature translational stop signal (p.Ala185Aspfs*138) in the ELN gene. It is expected to result in an absent or disrupted protein product. Loss-of-function variants in ELN are known to be pathogenic (PMID: 11175284). This variant is not present in population databases (ExAC no frequency). This variant has not been reported in the literature in individuals with ELN-related conditions. For these reasons, this variant has been classified as Pathogenic.

Literature cited by the submitters: PubMed 11175284.

NM_000501.4(ELN):c.554_555delinsA (p.Ala185fs)

Gene: ELN (elastin; plus strand). Cytogenetic location: 7q11.23.
Variant type: Indel.
Coding change: c.554_555delinsA on transcript NM_000501.4 (MANE Select); coding-DNA positions 554 to 555, CT replaced by A.
Protein change: p.Ala185fs; shifts the reading frame from alanine 185.
Molecular consequence: frameshift variant. On other transcripts: intron variant (2).
Genome position (GRCh38, 1-based): chr7:74,046,200-74,046,201, CT replaced by A. VCF-style: chr7-74046200-CT-A. GRCh37 (hg19) VCF-style: chr7-73460530-CT-A.
Other names: c.524_525delinsA, p.Ala175fs (NM_001081752.3, NM_001278917.2); c.569_570delinsA, p.Ala190fs (NM_001081753.3, NM_001081754.3); c.554_555delinsA, p.Ala185fs (NM_001081755.3, NM_001278912.2, NM_001278915.2 and 2 more transcripts); c.539_540delinsA, p.Ala180fs (NM_001278914.2); c.506-496_506-495delinsA (NM_001278913.2); c.440-496_440-495delinsA (NM_001278918.2); short protein forms A180fs, A175fs, A190fs, A185fs.
Identifiers: ClinVar variation 3010196 (VCV003010196.3), dbSNP rs2485343633, ClinGen allele CA2740097370.